The following is an entry in ClinVar:

NM_001282225.2(ADA2):c.724T>C (p.Tyr242His)

Gene: ADA2 (adenosine deaminase 2; minus strand). Cytogenetic location: 22q11.1.
Variant type: single nucleotide variant.
Coding change: c.724T>C on transcript NM_001282225.2 (MANE Select); coding-DNA position 724, T replaced by C.
Protein change: p.Tyr242His; replaces tyrosine 242 with histidine.
Molecular consequence: missense variant.
Genome position (GRCh38, 1-based): chr22:17,203,592, A>G on the plus strand (T>C on the coding strand, the complement: ADA2 is on the minus strand). VCF-style: chr22-17203592-A-G. GRCh37 (hg19) VCF-style: chr22-17684482-A-G.
Other names: c.724T>C, p.Tyr242His (NM_001282226.2); c.598T>C, p.Tyr200His (NM_001282227.2, NM_001282228.2); c.364T>C, p.Tyr122His (NM_001282229.2); short protein forms Y200H, Y122H, Y242H.
Identifiers: ClinVar variation 1345332 (VCV001345332.8), dbSNP rs1391989452, ClinGen allele CA410227926.

ClinVar aggregate classification (germline): Uncertain significance (1 of 4 stars; one submission).

Conditions:
Deficiency of adenosine deaminase 2. Also called: Polyarteritis nodosa, childhoood-onset; Adenosine Deaminase 2 Deficiency; VASCULITIS, AUTOINFLAMMATION, IMMUNODEFICIENCY, AND HEMATOLOGIC DEFECTS SYNDROME. Identifiers: Orphanet 404553, MedGen C3887654, MONDO:0014306, OMIM 615688, MONDO:0100317.

Allele frequency attached by ClinVar (database versions not stated): gnomAD exomes below 0.00001; TOPMed 0.00001.
gnomAD v4.1: 2 of 1,612,946 alleles (0.00012%); highest among the groups gnomAD compares: South Asian, 0.0011%; no homozygotes.

Submission:

Labcorp Genetics (formerly Invitae), Labcorp
Classification: Uncertain significance for Deficiency of adenosine deaminase 2. Last evaluated: 2021-04-14. Review status: criteria provided, single submitter. Criteria: Invitae Variant Classification Sherloc (09022015). Collection method: clinical testing. Allele origin: germline.
Comment: In summary, the available evidence is currently insufficient to determine the role of this variant in disease. Therefore, it has been classified as a Variant of Uncertain Significance. Algorithms developed to predict the effect of missense changes on protein structure and function are either unavailable or do not agree on the potential impact of this missense change (SIFT: "Deleterious"; PolyPhen-2: "Probably Damaging"; Align-GVGD: "Class C0"). This variant has not been reported in the literature in individuals with ADA2-related conditions. This variant is not present in population databases (ExAC no frequency). This sequence change replaces tyrosine with histidine at codon 242 of the ADA2 protein (p.Tyr242His). The tyrosine residue is highly conserved and there is a moderate physicochemical difference between tyrosine and histidine.